The following is an entry in ClinVar:

NM_006031.6(PCNT):c.8479C>T (p.Gln2827Ter)

Gene: PCNT (pericentrin; plus strand). Cytogenetic location: 21q22.3.
Variant type: single nucleotide variant.
Coding change: c.8479C>T on transcript NM_006031.6 (MANE Select); coding-DNA position 8479, C replaced by T.
Protein change: p.Gln2827Ter; replaces glutamine 2827 with a stop codon.
Molecular consequence: nonsense.
Genome position (GRCh38, 1-based): chr21:46,431,943, C>T. VCF-style: chr21-46431943-C-T. GRCh37 (hg19) VCF-style: chr21-47851857-C-T.
Other names: c.8125C>T, p.Gln2709Ter (NM_001315529.2); short protein forms Q2709*, Q2827*.
Identifiers: ClinVar variation 2794347 (VCV002794347.3), dbSNP rs551420606, ClinGen allele CA10080975.

ClinVar aggregate classification (germline): Pathogenic (1 of 4 stars; one submission).

gnomAD v4.1: 8 of 1,613,998 alleles (0.0005%); highest among the groups gnomAD compares: South Asian, 0.0044%; no homozygotes.

Submission:

Labcorp Genetics (formerly Invitae), Labcorp
Classification: Pathogenic. Last evaluated: 2023-09-21. Review status: criteria provided, single submitter. Criteria: Invitae Variant Classification Sherloc (09022015). Collection method: clinical testing. Allele origin: germline.
Comment: This sequence change creates a premature translational stop signal (p.Gln2827*) in the PCNT gene. It is expected to result in an absent or disrupted protein product. Loss-of-function variants in PCNT are known to be pathogenic (PMID: 18174396, 22821869). This variant is present in population databases (rs551420606, gnomAD 0.01%). This variant has not been reported in the literature in individuals affected with PCNT-related conditions. For these reasons, this variant has been classified as Pathogenic.

Literature cited by the submitters: PubMed 18174396; PubMed 22821869.